The following is an entry in ClinVar:

NM_152906.7(TANGO2):c.49G>A (p.Ala17Thr)

Gene: TANGO2 (transport and golgi organization 2 homolog; plus strand). Cytogenetic location: 22q11.21.
Variant type: single nucleotide variant.
Coding change: c.49G>A on transcript NM_152906.7 (MANE Select); coding-DNA position 49, G replaced by A.
Protein change: p.Ala17Thr; replaces alanine 17 with threonine.
Molecular consequence: missense variant. On other transcripts: 5 prime UTR variant (20), non-coding transcript variant (5).
Genome position (GRCh38, 1-based): chr22:20,036,847, G>A. VCF-style: chr22-20036847-G-A. GRCh37 (hg19) VCF-style: chr22-20024370-G-A.
Other names: c.49G>A, p.Ala17Thr (NM_001283106.3, NM_001283116.3, NM_001283148.3 and 10 more transcripts); c.-69G>A (NM_001283129.3, NM_001283215.3, NM_001322141.2 and 5 more transcripts); c.-131G>A (NM_001283235.3, NM_001322146.2, NM_001322153.2 and 5 more transcripts); c.-371G>A (NM_001322148.2, NM_001322150.2, NM_001322172.2 and 1 more transcripts); c.49G>A (NM_152906.4); short protein forms A17T.
Identifiers: ClinVar variation 1992168 (VCV001992168.3), dbSNP rs142149828, ClinGen allele CA10106113.
Genomic context (GRCh38, chr22:20,036,847, plus strand): 5'-CCCTGCACCACCATGTGCATCATCTTCTTTAAGTTTGATCCTCGCCCTGTTTCCAAAAAC[G>A]CGTACAGGTAACCCCCTCGCTCTGCATCTGCTGCGCCCTGCAGGGTCCTGGGTGCCCAGC-3'
Protein context (NP_690870.3, residues 7-27): KFDPRPVSKN[Ala17Thr]YRLILAANRD

ClinVar aggregate classification (germline): Conflicting classifications of pathogenicity. Review status: criteria provided, conflicting classifications (1 of 4 stars). 2 submissions from 2 submitters: Uncertain significance (1); Likely benign (1). Last evaluated 2024-07-25.

Conditions:
Inborn genetic diseases. Identifiers: MedGen C0950123, MeSH D030342.

Allele frequency attached by ClinVar (database versions not stated): ESP Exome Variant Server 0.00023; ExAC 0.00003; gnomAD 0.00003.
gnomAD v4.1: 28 of 1,614,050 alleles (0.0017%); highest among the groups gnomAD compares: African/African-American, 0.0067%; no homozygotes.

Submissions (2):

Ambry Genetics
Classification: Likely benign for Inborn genetic diseases. Last evaluated: 2024-07-25. Review status: criteria provided, single submitter. Criteria: Ambry Variant Classification Scheme 2023. Collection method: clinical testing. Allele origin: germline.

Labcorp Genetics (formerly Invitae), Labcorp
Classification: Uncertain significance. Last evaluated: 2024-01-22. Review status: criteria provided, single submitter. Criteria: Invitae Variant Classification Sherloc (09022015). Collection method: clinical testing. Allele origin: germline.
Comment: This sequence change replaces alanine, which is neutral and non-polar, with threonine, which is neutral and polar, at codon 17 of the TANGO2 protein (p.Ala17Thr). This variant is present in population databases (rs142149828, gnomAD 0.008%). This variant has not been reported in the literature in individuals affected with TANGO2-related conditions. ClinVar contains an entry for this variant (Variation ID: 1992168). An algorithm developed to predict the effect of missense changes on protein structure and function (PolyPhen-2) suggests that this variant is likely to be disruptive. In summary, the available evidence is currently insufficient to determine the role of this variant in disease. Therefore, it has been classified as a Variant of Uncertain Significance.